The following is an entry in ClinVar:

NM_005559.4(LAMA1):c.7184A>G (p.Asn2395Ser)

Gene: LAMA1 (laminin subunit alpha 1; minus strand). Cytogenetic location: 18p11.31.
Variant type: single nucleotide variant.
Coding change: c.7184A>G on transcript NM_005559.4 (MANE Select); coding-DNA position 7184, A replaced by G.
Protein change: p.Asn2395Ser; replaces asparagine 2395 with serine.
Molecular consequence: missense variant.
Genome position (GRCh38, 1-based): chr18:6,965,299, T>C on the plus strand (A>G on the coding strand, the complement: LAMA1 is on the minus strand). VCF-style: chr18-6965299-T-C. GRCh37 (hg19) VCF-style: chr18-6965298-T-C.
Other names: short protein forms N2395S.
Identifiers: ClinVar variation 2072166 (VCV002072166.4), dbSNP rs1380688607, ClinGen allele CA401825787.

ClinVar aggregate classification (germline): Uncertain significance (1 of 4 stars; one submission).

Allele frequency attached by ClinVar (database versions not stated): TOPMed below 0.00001; gnomAD exomes 0.00001.
gnomAD v4.1: 8 of 1,614,224 alleles (0.0005%); highest among the groups gnomAD compares: Non-Finnish European, 0.00068%; no homozygotes.

Submission:

Labcorp Genetics (formerly Invitae), Labcorp
Classification: Uncertain significance. Last evaluated: 2025-01-06. Review status: criteria provided, single submitter. Criteria: Invitae Variant Classification Sherloc (09022015). Collection method: clinical testing. Allele origin: germline.
Comment: This sequence change replaces asparagine, which is neutral and polar, with serine, which is neutral and polar, at codon 2395 of the LAMA1 protein (p.Asn2395Ser). This variant is not present in population databases (gnomAD no frequency). This variant has not been reported in the literature in individuals affected with LAMA1-related conditions. ClinVar contains an entry for this variant (Variation ID: 2072166). Invitae Evidence Modeling of protein sequence and biophysical properties (such as structural, functional, and spatial information, amino acid conservation, physicochemical variation, residue mobility, and thermodynamic stability) indicates that this missense variant is not expected to disrupt LAMA1 protein function with a negative predictive value of 80%. In summary, the available evidence is currently insufficient to determine the role of this variant in disease. Therefore, it has been classified as a Variant of Uncertain Significance.